The following is an entry in ClinVar:

NM_007118.4(TRIO):c.7632+8C>T

Gene: TRIO (trio Rho guanine nucleotide exchange factor; plus strand). Cytogenetic location: 5p15.2.
Variant type: single nucleotide variant.
Coding change: c.7632+8C>T on transcript NM_007118.4 (MANE Select); 8 bases into the intron after coding-DNA position 7632, C replaced by T.
Molecular consequence: intron variant.
Genome position (GRCh38, 1-based): chr5:14,488,268, C>T. VCF-style: chr5-14488268-C-T. GRCh37 (hg19) VCF-style: chr5-14488377-C-T.
Identifiers: ClinVar variation 4989828 (VCV004989828.1).
Genomic context (GRCh38, chr5:14,488,268, plus strand): 5'-GCACGTGCTCCTCGGCCAGCGAGCAGTCCGTGCAGTCCACCCAGAGCAACGGGGTAAGCG[C>T]GTCGGGGGGCCCGCGCCCTCCCGCCCCCCTGCCTCTGTCCCGCCAGCTCTAAACGCCACC-3'

ClinVar aggregate classification (germline): Likely benign (1 of 4 stars; one submission).

Conditions:
TRIO-related disorder. Also called: TRIO-related disorders; TRIO-related condition.

gnomAD v4.1: 17 of 1,549,986 alleles (0.0011%); highest among the groups gnomAD compares: Middle Eastern, 0.017%; no homozygotes.

Submission:

PreventionGenetics, part of Exact Sciences
Classification: Likely benign for TRIO-related condition. Last evaluated: 2024-10-27. Review status: criteria provided, single submitter. Criteria: ACMG Guidelines, 2015. Collection method: clinical testing. Allele origin: germline.
Comment: This variant is classified as likely benign based on ACMG/AMP sequence variant interpretation guidelines (Richards et al. 2015 PMID: 25741868, with internal and published modifications).